The following is an entry in ClinVar:

ClinVar aggregate classification (germline): Conflicting classifications of pathogenicity. Review status: criteria provided, conflicting classifications (1 of 4 stars). 6 submissions from 6 submitters: Uncertain significance (5); Benign (1). Last evaluated 2026-07-21.

Conditions:
Lymphangiomyomatosis (LAM). Also called: Lymphangioleiomyomatosis, somatic; Lymphangioleiomyomatosis. Identifiers: Orphanet 538, MedGen C0751674, MONDO:0011705, OMIM 606690.
Isolated focal cortical dysplasia type II (FCORD2). Also called: CORTICAL DYSPLASIA OF TAYLOR; Focal cortical dysplasia type II. Identifiers: Orphanet 268994, MedGen C1846385, MONDO:0011818, OMIM 607341, HP:0032051.
Tuberous sclerosis 2 (TSC2). Identifiers: Orphanet 805, MedGen C1860707, MONDO:0013199, OMIM 613254.
Tuberous sclerosis syndrome (TSC). Also called: Tuberous Sclerosis Complex; Tuberous sclerosis. Identifiers: Orphanet 805, MedGen C0041341, MONDO:0001734.
Hereditary cancer-predisposing syndrome. Also called: Neoplastic Syndromes, Hereditary; Hereditary Cancer Syndrome; Tumor predisposition; Hereditary neoplastic syndrome. Identifiers: Orphanet 140162, MedGen C0027672, MeSH D009386, MONDO:0015356.

gnomAD v4.1: 26 of 1,613,034 alleles (0.0016%); highest among the groups gnomAD compares: Non-Finnish European, 0.0022%; no homozygotes.

Submissions (6):

Ambry Genetics
Classification: Uncertain significance for Hereditary cancer-predisposing syndrome. Last evaluated: 2026-07-21. Review status: criteria provided, single submitter. Criteria: Ambry Variant Classification Scheme 2023. Collection method: clinical testing. Allele origin: germline.
Comment: The p.R976P variant (also known as c.2927G>C), located in coding exon 25 of the TSC2 gene, results from a G to C substitution at nucleotide position 2927. The arginine at codon 976 is replaced by proline, an amino acid with dissimilar properties. This amino acid position is highly conserved in available vertebrate species. In addition, this alteration is predicted to be deleterious by in silico analysis. Based on the available evidence, the clinical significance of this variant remains unclear.

All of Us Research Program, National Institutes of Health
Classification: Uncertain significance for Tuberous sclerosis syndrome. Last evaluated: 2024-09-23. Review status: criteria provided, single submitter. Criteria: ACMG Guidelines, 2015. Collection method: clinical testing. Allele origin: germline. Inheritance: Autosomal dominant inheritance. Observed: 5 variant alleles, 5 heterozygotes.
Comment: This missense variant replaces arginine with proline at codon 976 of the TSC2 protein. Computational prediction suggests that this variant may have deleterious impact on protein structure and function (internally defined REVEL score threshold >= 0.7, PMID: 27666373). To our knowledge, functional studies have not been reported for this variant. This variant has not been reported in individuals affected with tuberous sclerosis complex in the literature. This variant has been identified in 1/250650 chromosomes in the general population by the Genome Aggregation Database (gnomAD). The available evidence is insufficient to determine the role of this variant in disease conclusively. Therefore, this variant is classified as a Variant of Uncertain Significance.

This study involves interpretation of variants in research participants for the purpose of population health screening. Participant phenotype was not available at the time of variant classification. Additional details can be found in publication PMID: 35346344, PMCID: PMC8962531

Labcorp Genetics (formerly Invitae), Labcorp
Classification: Benign for Tuberous sclerosis 2. Last evaluated: 2024-05-14. Review status: criteria provided, single submitter. Criteria: Invitae Variant Classification Sherloc (09022015). Collection method: clinical testing. Allele origin: germline.

Fulgent Genetics
Classification: Uncertain significance for Lymphangiomyomatosis; Isolated focal cortical dysplasia type II; Tuberous sclerosis 2. Last evaluated: 2022-04-08. Review status: criteria provided, single submitter. Criteria: ACMG Guidelines, 2015. Collection method: clinical testing. Allele origin: unknown.

Genome-Nilou Lab
Classification: Uncertain significance for Tuberous sclerosis 2. Last evaluated: 2021-11-07. Review status: criteria provided, single submitter. Criteria: ACMG Guidelines, 2015. Collection method: clinical testing. Allele origin: germline. Affected: no.

GeneDx
Classification: Uncertain significance. Last evaluated: 2020-04-10. Review status: criteria provided, single submitter. Criteria: GeneDx Variant Classification Process June 2021. Collection method: clinical testing. Allele origin: germline. Affected: yes.
Comment: In silico analysis supports that this missense variant has a deleterious effect on protein structure/function; Has not been previously published as pathogenic or benign to our knowledge

NM_000548.5(TSC2):c.2927G>C (p.Arg976Pro)

Gene: TSC2 (TSC complex subunit 2; plus strand). Cytogenetic location: 16p13.3.
Variant type: single nucleotide variant.
Coding change: c.2927G>C on transcript NM_000548.5 (MANE Select); coding-DNA position 2927, G replaced by C.
Protein change: p.Arg976Pro; replaces arginine 976 with proline.
Molecular consequence: missense variant. On other transcripts: intron variant (9).
Genome position (GRCh38, 1-based): chr16:2,077,687, G>C. VCF-style: chr16-2077687-G-C. GRCh37 (hg19) VCF-style: chr16-2127688-G-C.
Other names: c.2927G>C, p.Arg976Pro (NM_001114382.3); c.2837+1102G>C (NM_021055.3, NM_001370405.1, NM_001363528.2 and 2 more transcripts); c.2726+1102G>C (NM_001318827.2); c.2237+1102G>C (NM_001318831.2); c.2690+1102G>C (NM_001318829.2); c.2870+1102G>C (NM_001318832.2); short protein forms R976P.
Identifiers: ClinVar variation 957657 (VCV000957657.21), dbSNP rs779832805, ClinGen allele CA042829.
Genomic context (GRCh38, chr16:2,077,687, plus strand): 5'-GCTTGAATAACTCTCCACCCGTGAAAGAATTCAAGGAGAGCTCTGCAGCCGAGGCCTTCC[G>C]GTGCCGCAGCATCAGTGTGTCTGAACATGTGGTCCGCAGGTAGCGGGACTGTCGGGTGGG-3'
Protein context (NP_000539.2, residues 966-986): FKESSAAEAF[Arg976Pro]CRSISVSEHV